The following is an entry in ClinVar:

ClinVar aggregate classification (germline): Uncertain significance (1 of 4 stars; one submission).

Conditions:
Hypertrophic cardiomyopathy 26. Also called: Cardiomyopathy, familial hypertrophic, 26. Identifiers: Orphanet 75249, MedGen C4310749, MONDO:0014883, OMIM 617047.
Myofibrillar myopathy 5. Also called: FILAMINOPATHY, AUTOSOMAL DOMINANT; Filaminopathy (type). Identifiers: Orphanet 171445, MedGen C1836050, MONDO:0012289, OMIM 609524.
Distal myopathy with posterior leg and anterior hand involvement. Also called: WILLIAMS DISTAL MYOPATHY. Identifiers: Orphanet 63273, MedGen C3279722, MONDO:0013550, OMIM 614065.

Submission:

Labcorp Genetics (formerly Invitae), Labcorp
Classification: Uncertain significance for Distal myopathy with posterior leg and anterior hand involvement; Myofibrillar myopathy 5; Hypertrophic cardiomyopathy 26. Last evaluated: 2021-06-05. Review status: criteria provided, single submitter. Criteria: Invitae Variant Classification Sherloc (09022015). Collection method: clinical testing. Allele origin: germline.
Comment: In summary, the available evidence is currently insufficient to determine the role of this variant in disease. Therefore, it has been classified as a Variant of Uncertain Significance. Algorithms developed to predict the effect of missense changes on protein structure and function are either unavailable or do not agree on the potential impact of this missense change (SIFT: "Deleterious"; PolyPhen-2: "Probably Damaging"; Align-GVGD: "Class C0"). This variant has not been reported in the literature in individuals with FLNC-related conditions. This variant is not present in population databases (ExAC no frequency). This sequence change replaces serine with tryptophan at codon 1296 of the FLNC protein (p.Ser1296Trp). The serine residue is moderately conserved and there is a large physicochemical difference between serine and tryptophan.

NM_001458.5(FLNC):c.3887C>G (p.Ser1296Trp)

Gene: FLNC (filamin C; plus strand). Cytogenetic location: 7q32.1.
Variant type: single nucleotide variant.
Coding change: c.3887C>G on transcript NM_001458.5 (MANE Select); coding-DNA position 3887, C replaced by G.
Protein change: p.Ser1296Trp; replaces serine 1296 with tryptophan.
Molecular consequence: missense variant.
Genome position (GRCh38, 1-based): chr7:128,846,086, C>G. VCF-style: chr7-128846086-C-G. GRCh37 (hg19) VCF-style: chr7-128486140-C-G.
Other names: c.3887C>G, p.Ser1296Trp (NM_001127487.2); short protein forms S1296W.
Identifiers: ClinVar variation 1471056 (VCV001471056.8), dbSNP rs747587140, ClinGen allele CA369198665.